The following is an entry in ClinVar:

NM_000297.4(PKD2):c.359C>G (p.Pro120Arg)

Genes: PKD2 (polycystin 2, transient receptor potential cation channel; plus strand), LOC129992813 (ATAC-STARR-seq lymphoblastoid silent region 15559; plus strand). Cytogenetic location: 4q22.1.
Variant type: single nucleotide variant.
Coding change: c.359C>G on transcript NM_000297.4 (MANE Select); coding-DNA position 359, C replaced by G.
Protein change: p.Pro120Arg; replaces proline 120 with arginine.
Molecular consequence: missense variant. On other transcripts: non-coding transcript variant (1).
Genome position (GRCh38, 1-based): chr4:88,008,092, C>G. VCF-style: chr4-88008092-C-G. GRCh37 (hg19) VCF-style: chr4-88929244-C-G.
Other names: c.359C>G (NM_000297.3); short protein forms P120R.
Identifiers: ClinVar variation 2880053 (VCV002880053.4), dbSNP rs1464861874, ClinGen allele CA357626361.
Genomic context (GRCh38, chr4:88,008,092, plus strand): 5'-AGGAGGAGGTGGAAGGGGAAGAAGGCGGAATGGTGGTGGAGATGGACGTAGAGTGGCGCC[C>G]GGGCAGCCGGAGGTCGGCCGCCTCCTCGGCCGTGAGCTCCGTGGGCGCGCGGAGCCGGGG-3'
Protein context (NP_000288.1, residues 110-130): MVVEMDVEWR[Pro120Arg]GSRRSAASSA

ClinVar aggregate classification (germline): Uncertain significance. Review status: criteria provided, multiple submitters, no conflicts (2 of 4 stars). 2 submissions from 2 submitters: Uncertain significance (2). Last evaluated 2025-06-07.

Conditions:
Inborn genetic diseases. Identifiers: MedGen C0950123, MeSH D030342.
Autosomal dominant polycystic kidney disease. Identifiers: Orphanet 730, MedGen C0085413, MONDO:0004691.

Allele frequency attached by ClinVar (database versions not stated): TOPMed below 0.00001; gnomAD 0.00001; gnomAD exomes 0.00003.
gnomAD v4.1: 16 of 1,517,420 alleles (0.0011%); highest among the groups gnomAD compares: Non-Finnish European, 0.00088%; no homozygotes.

Submissions (2):

Ambry Genetics
Classification: Uncertain significance for Inborn genetic diseases. Last evaluated: 2025-06-07. Review status: criteria provided, single submitter. Criteria: Ambry Variant Classification Scheme 2023. Collection method: clinical testing. Allele origin: germline.

Labcorp Genetics (formerly Invitae), Labcorp
Classification: Uncertain significance for Autosomal dominant polycystic kidney disease. Last evaluated: 2025-01-13. Review status: criteria provided, single submitter. Criteria: Invitae Variant Classification Sherloc (09022015). Collection method: clinical testing. Allele origin: germline.
Comment: This sequence change replaces proline, which is neutral and non-polar, with arginine, which is basic and polar, at codon 120 of the PKD2 protein (p.Pro120Arg). This variant is present in population databases (no rsID available, gnomAD 0.03%). This variant has not been reported in the literature in individuals affected with PKD2-related conditions. ClinVar contains an entry for this variant (Variation ID: 2880053). An algorithm developed to predict the effect of missense changes on protein structure and function (PolyPhen-2) suggests that this variant is likely to be disruptive. In summary, the available evidence is currently insufficient to determine the role of this variant in disease. Therefore, it has been classified as a Variant of Uncertain Significance.